The following is an entry in ClinVar:

NM_001330078.2(NRXN1):c.2492T>C (p.Met831Thr)

Gene: NRXN1 (neurexin 1; minus strand). Cytogenetic location: 2p16.3.
Variant type: single nucleotide variant.
Coding change: c.2492T>C on transcript NM_001330078.2 (MANE Select); coding-DNA position 2492, T replaced by C.
Protein change: p.Met831Thr; replaces methionine 831 with threonine.
Molecular consequence: missense variant.
Genome position (GRCh38, 1-based): chr2:50,506,500, A>G on the plus strand (T>C on the coding strand, the complement: NRXN1 is on the minus strand). VCF-style: chr2-50506500-A-G. GRCh37 (hg19) VCF-style: chr2-50733638-A-G.
Other names: c.2612T>C, p.Met871Thr (NM_001135659.3); c.2468T>C, p.Met823Thr (NM_001330077.2, NM_001330082.2); c.2426T>C, p.Met809Thr (NM_001330083.2, NM_001330084.2); c.2465T>C, p.Met822Thr (NM_001330085.2); c.2492T>C, p.Met831Thr (NM_001330086.2, NM_004801.6); c.2381T>C, p.Met794Thr (NM_001330087.2, NM_001330096.2); c.2411T>C, p.Met804Thr (NM_001330088.2); c.2489T>C, p.Met830Thr (NM_001330093.2); and 2 more; short protein forms M814T, M827T, M871T, M822T, M823T, M831T, M794T, M809T.
Identifiers: ClinVar variation 640055 (VCV000640055.8), dbSNP rs1573308071, ClinGen allele CA346777839.
Genomic context (GRCh38, chr2:50,506,500, plus strand): 5'-AAATGAGAGTCAAAAGCGTTAGCATAGGAAAAGACAATGGGACAGAGGTGTTTACCTGTC[A>G]TGGCCTGTTGGTCATCCACTGTTAACTTTAAACTTTTTCCACGCCGAACTACACGCACTG-3'
Protein context (NP_001317007.1, residues 821-841): LKLTVDDQQA[Met831Thr]TGQMAGDHTR

ClinVar aggregate classification (germline): Uncertain significance (1 of 4 stars; one submission).

Conditions:
Pitt-Hopkins-like syndrome 2 (PTHSL2). Identifiers: Orphanet 221150, Orphanet 600663, MedGen C3280479, MONDO:0013690, OMIM 614325.

Submission:

Labcorp Genetics (formerly Invitae), Labcorp
Classification: Uncertain significance for Pitt-Hopkins-like syndrome 2. Last evaluated: 2023-08-18. Review status: criteria provided, single submitter. Criteria: Invitae Variant Classification Sherloc (09022015). Collection method: clinical testing. Allele origin: germline.
Comment: In summary, the available evidence is currently insufficient to determine the role of this variant in disease. Therefore, it has been classified as a Variant of Uncertain Significance. This sequence change replaces methionine, which is neutral and non-polar, with threonine, which is neutral and polar, at codon 871 of the NRXN1 protein (p.Met871Thr). This variant is not present in population databases (gnomAD no frequency). This variant has not been reported in the literature in individuals affected with NRXN1-related conditions. ClinVar contains an entry for this variant (Variation ID: 640055). An algorithm developed to predict the effect of missense changes on protein structure and function (PolyPhen-2) suggests that this variant is likely to be tolerated.